The following is an entry in ClinVar:

NM_004519.4(KCNQ3):c.604+16G>A

Gene: KCNQ3 (potassium voltage-gated channel subfamily Q member 3; minus strand). Cytogenetic location: 8q24.22.
Variant type: single nucleotide variant.
Coding change: c.604+16G>A on transcript NM_004519.4 (MANE Select); 16 bases into the intron after coding-DNA position 604, G replaced by A.
Molecular consequence: intron variant.
Genome position (GRCh38, 1-based): chr8:132,184,225, C>T on the plus strand (G>A on the coding strand, the complement: KCNQ3 is on the minus strand). VCF-style: chr8-132184225-C-T. GRCh37 (hg19) VCF-style: chr8-133196472-C-T.
Other names: c.244+16G>A (NM_001204824.2).
Identifiers: ClinVar variation 507658 (VCV000507658.3), dbSNP rs1554628744, ClinGen allele CA658797149.

ClinVar aggregate classification (germline): Likely benign. Review status: criteria provided, multiple submitters, no conflicts (2 of 4 stars). 2 submissions from 2 submitters: Likely benign (2). Last evaluated 2024-03-08.

Conditions:
Benign neonatal seizures. Also called: Benign familial neonatal epilepsy; Convulsions benign familial neonatal dominant form; Autosomal dominant form of benign neonatal seizures; Benign familial neonatal seizures; Benign neonatal familial convulsions. Identifiers: Orphanet 1949, MedGen C0220669, MONDO:0016027.

gnomAD v4.1: 1 of 1,614,130 alleles (0.000062%); highest among the groups gnomAD compares: Non-Finnish European, 0.000085%; no homozygotes.

Submissions (2):

Labcorp Genetics (formerly Invitae), Labcorp
Classification: Likely benign for Benign neonatal seizures. Last evaluated: 2024-03-08. Review status: criteria provided, single submitter. Criteria: Invitae Variant Classification Sherloc (09022015). Collection method: clinical testing. Allele origin: germline.

GeneDx
Classification: Likely benign. Last evaluated: 2017-03-02. Review status: criteria provided, single submitter. Criteria: GeneDx Variant Classification (06012015). Collection method: clinical testing. Allele origin: germline. Affected: yes.
Comment: This variant is considered likely benign or benign based on one or more of the following criteria: it is a conservative change, it occurs at a poorly conserved position in the protein, it is predicted to be benign by multiple in silico algorithms, and/or has population frequency not consistent with disease.